The following is an entry in ClinVar:

NM_000088.4(COL1A1):c.3263del

Gene: COL1A1 (collagen type I alpha 1 chain; minus strand). Cytogenetic location: 17q21.33.
Variant type: Deletion.
Coding change: c.3263del on transcript NM_000088.4 (MANE Select); coding-DNA position 3263, one base deleted (G; older notation c.3263delG).
Molecular consequence: splice acceptor variant.
Genome position (GRCh38, 1-based): chr17:50,187,982, C deleted on the plus strand (G on the coding strand, the reverse complement: COL1A1 is on the minus strand); the first of 3 consecutive C bases (chr17:50,187,982-50,187,984); deleting any one gives the same sequence. VCF-style (leftmost placement, unchanged base first): chr17-50187981-TC-T. GRCh37 (hg19) VCF-style: chr17-48265342-TC-T.
Identifiers: ClinVar variation 3382710 (VCV003382710.2).

ClinVar aggregate classification (germline): Likely pathogenic (1 of 4 stars; one submission).

Conditions:
Osteogenesis imperfecta, perinatal lethal (OI2). Also called: OI, TYPE II; OSTEOGENESIS IMPERFECTA CONGENITA; Osteogenesis imperfecta, dominant perinatal lethal; VROLIK TYPE OF OSTEOGENESIS IMPERFECTA; Osteogenesis imperfecta type 2; OSTEOGENESIS IMPERFECTA, TYPE II. Identifiers: Orphanet 216804, MedGen C0268358, MONDO:0008147, OMIM 166210.
Osteogenesis imperfecta type III (OI3). Also called: Osteogenesis imperfecta type 3; OI type 3; Osteogenesis imperfecta, progressively deforming with normal sclerae; OI type III; Progressively Deforming Osteogenesis Imperfecta. Identifiers: Orphanet 216812, Orphanet 666, MedGen C0268362, MONDO:0009804, OMIM 259420.
Infantile cortical hyperostosis. Also called: Caffey Disease; Hyperostosis, Cortical, Congenital; P1PK BLOOD GROUP SYSTEM, P(2) PHENOTYPE. Identifiers: Orphanet 1310, MedGen C0020497, MONDO:0007244, OMIM 114000.
Ehlers-Danlos syndrome, arthrochalasia type. Also called: Ehlers-Danlos syndrome, arthrochalasia type, 1; ARTHROCHALASIS MULTIPLEX CONGENITA; Ehlers-Danlos syndrome, arthrochalasis type; EDS VII, MUTANT PROCOLLAGEN TYPE; EDS VIIA. Identifiers: Orphanet 1899, Orphanet 99875, Orphanet 99876, MedGen C4551623, MONDO:0007525, OMIM 130060.
Osteogenesis imperfecta type I (OI1). Also called: OI, TYPE I; OSTEOGENESIS IMPERFECTA TARDA; OSTEOGENESIS IMPERFECTA WITH BLUE SCLERAE; Osteogenesis imperfecta type 1; Lobstein disease; Lobstein's Disease. Identifiers: Orphanet 216796, Orphanet 666, MedGen C0023931, MONDO:0008146, OMIM 166200. Disease mechanism: loss of function.
Combined osteogenesis imperfecta and Ehlers-Danlos syndrome 1. Also called: OIEDS SYNDROME 1. Identifiers: MedGen C5436842, MONDO:0030854, OMIM 619115.
Osteogenesis imperfecta with normal sclerae, dominant form (OI4). Also called: OSTEOGENESIS IMPERFECTA WITH NORMAL SCLERAE; Osteogenesis imperfecta type 4; Osteogenesis Imperfecta Type IV; OSTEOGENESIS IMPERFECTA, TYPE IV, WITH DENTINOGENESIS IMPERFECTA; Common Variable Osteogenesis Imperfecta with Normal Sclerae. Identifiers: Orphanet 216820, Orphanet 666, MedGen C0268363, MONDO:0008148, OMIM 166220.
Osteoporosis. Identifiers: MedGen C0029456, MONDO:0005298, OMIM 166710, HP:0000939.

Submission:

Juno Genomics, Hangzhou Juno Genomics, Inc
Classification: Likely pathogenic for Osteoporosis; Infantile cortical hyperostosis; Combined osteogenesis imperfecta and Ehlers-Danlos syndrome 1; Ehlers-Danlos syndrome, arthrochalasia type; Osteogenesis imperfecta type I; Osteogenesis imperfecta, perinatal lethal; Osteogenesis imperfecta type III; Osteogenesis imperfecta with normal sclerae, dominant form. Review status: criteria provided, single submitter. Criteria: ACMG Guidelines, 2015. Collection method: clinical testing. Allele origin: germline. Affected: yes.
Comment: Absent from controls (or at extremely low frequency if recessive) in Genome Aggregation Database, Exome Sequencing Project, 1000 Genomes Project, or Exome Aggregation Consortium.;Null variant in a gene where loss of function (LOF) is a known mechanism of disease.